The following is an entry in ClinVar:

ClinVar aggregate classification (germline): Uncertain significance (1 of 4 stars; one submission).

Submission:

Labcorp Genetics (formerly Invitae), Labcorp
Classification: Uncertain significance. Last evaluated: 2025-06-01. Review status: criteria provided, single submitter. Criteria: Invitae Variant Classification Sherloc (09022015). Collection method: clinical testing. Allele origin: germline.
Comment: This sequence change replaces glycine, which is neutral and non-polar, with aspartic acid, which is acidic and polar, at codon 667 of the COL11A1 protein (p.Gly667Asp). This variant is not present in population databases (gnomAD no frequency). This variant has not been reported in the literature in individuals affected with COL11A1-related conditions. Experimental studies and prediction algorithms are not available or were not evaluated, and the functional significance of this variant is currently unknown. In summary, the available evidence is currently insufficient to determine the role of this variant in disease. Therefore, it has been classified as a Variant of Uncertain Significance.

NM_001854.4(COL11A1):c.2000G>A (p.Gly667Asp)

Gene: COL11A1 (collagen type XI alpha 1 chain; minus strand). Cytogenetic location: 1p21.1.
Variant type: single nucleotide variant.
Coding change: c.2000G>A on transcript NM_001854.4 (MANE Select); coding-DNA position 2000, G replaced by A.
Protein change: p.Gly667Asp; replaces glycine 667 with aspartic acid.
Molecular consequence: missense variant. On other transcripts: non-coding transcript variant (1).
Genome position (GRCh38, 1-based): chr1:103,002,790, C>T on the plus strand (G>A on the coding strand, the complement: COL11A1 is on the minus strand). VCF-style: chr1-103002790-C-T. GRCh37 (hg19) VCF-style: chr1-103468346-C-T.
Other names: c.1883G>A, p.Gly628Asp (NM_001190709.2); c.2036G>A, p.Gly679Asp (NM_080629.3); c.1652G>A, p.Gly551Asp (NM_080630.4); short protein forms G667D, G679D, G551D, G628D.
Identifiers: ClinVar variation 4720597 (VCV004720597.1).